The following is an entry in ClinVar:

NM_001145809.2(MYH14):c.949G>A (p.Gly317Arg)

Genes: MYH14 (myosin heavy chain 14; plus strand), LOC121852992 (Sharpr-MPRA regulatory region 11309; plus strand). Cytogenetic location: 19q13.33.
Variant type: single nucleotide variant.
Coding change: c.949G>A on transcript NM_001145809.2 (MANE Select); coding-DNA position 949, G replaced by A.
Protein change: p.Gly317Arg; replaces glycine 317 with arginine.
Molecular consequence: missense variant.
Genome position (GRCh38, 1-based): chr19:50,230,599, G>A. VCF-style: chr19-50230599-G-A. GRCh37 (hg19) VCF-style: chr19-50733856-G-A.
Other names: c.949G>A, p.Gly317Arg (NM_001077186.2); c.925G>A, p.Gly309Arg (NM_024729.4); short protein forms G317R, G309R.
Identifiers: ClinVar variation 164169 (VCV000164169.4), dbSNP rs727503222, ClinGen allele CA176881.
Genomic context (GRCh38, chr19:50,230,599, plus strand): 5'-TCGCGGGCCATCCGCCAGGCCAAGGACGAGTGCAGCTTCCACATCTTCTACCAGCTGCTG[G>A]GGGGCGCTGGAGAGCAGCTCAAAGGTCAGTGCCGCCCCGTCCTACCCTGCTCACCCGGGA-3'
Protein context (NP_001139281.1, residues 307-327): CSFHIFYQLL[Gly317Arg]GAGEQLKADL

ClinVar aggregate classification (germline): Uncertain significance (1 of 4 stars; one submission).

gnomAD v4.1: 1 of 1,566,416 alleles (0.000064%); no homozygotes.

Submission:

Laboratory for Molecular Medicine, Mass General Brigham Personalized Medicine
Classification: Uncertain significance. Last evaluated: 2013-06-11. Review status: criteria provided, single submitter. Criteria: LMM Criteria. Collection method: clinical testing. Allele origin: germline. Observed: 1 variant allele.
Comment: The Gly317Arg variant in MYH14 has not been reported in individuals with hearing loss. Data from large population studies are insufficient to assess the frequen cy of this variant. Computational analyses (biochemical amino acid properties, c onservation, AlignGVGD, PolyPhen2, and SIFT) do not provide strong support for o r against an impact to the protein. In summary, additional data is needed to det ermine the clinical significance of this variant.